The following is an entry in ClinVar:

NM_001370466.1(NOD2):c.1240G>A (p.Glu414Lys)

Gene: NOD2 (nucleotide binding oligomerization domain containing 2; plus strand). Cytogenetic location: 16q12.1.
Variant type: single nucleotide variant.
Coding change: c.1240G>A on transcript NM_001370466.1 (MANE Select); coding-DNA position 1240, G replaced by A.
Protein change: p.Glu414Lys; replaces glutamic acid 414 with lysine.
Molecular consequence: missense variant. On other transcripts: non-coding transcript variant (1).
Genome position (GRCh38, 1-based): chr16:50,711,232, G>A. VCF-style: chr16-50711232-G-A. GRCh37 (hg19) VCF-style: chr16-50745143-G-A.
Other names: c.1321G>A (LRG_177t1); c.1240G>A, p.Glu414Lys (NM_001293557.2); c.1321G>A, p.Glu441Lys (NM_022162.3); short protein forms E441K, E414K.
Identifiers: ClinVar variation 97827 (VCV000097827.56), dbSNP rs104895432, ClinGen allele CA150193.

ClinVar aggregate classification (germline): Conflicting classifications of pathogenicity. Review status: criteria provided, conflicting classifications (1 of 4 stars). 6 submissions from 5 submitters: Uncertain significance (2); Benign (1); Likely benign (2). 1 of the submissions does not count toward it. Last evaluated 2025-11-03.

Conditions:
Inflammatory bowel disease 1 (IBD1). Also called: Inflammatory bowel disease 1, Crohn disease; INFLAMMATORY BOWEL DISEASE (CROHN DISEASE) 1. Identifiers: MedGen CN260071, MONDO:0009960, OMIM 266600.
Blau syndrome (BLAUS). Also called: GRANULOMATOSIS, FAMILIAL JUVENILE SYSTEMIC; GRANULOMATOSIS, FAMILIAL, BLAU TYPE; GRANULOMATOUS INFLAMMATORY ARTHRITIS, DERMATITIS, AND UVEITIS, FAMILIAL; JABS SYNDROME; ARTHROCUTANEOUVEAL GRANULOMATOSIS. Identifiers: Orphanet 90340, MedGen C5201146, MONDO:0008523, OMIM 186580.
Regional enteritis. Also called: Enteritis, Granulomatous. Identifiers: MedGen C0678202, MeSH D003424.

Allele frequency attached by ClinVar (database versions not stated): ESP Exome Variant Server 0.00031; gnomAD exomes 0.00031; ExAC 0.00033; gnomAD 0.00034; 1000 Genomes Project 30x 0.00016; 1000 Genomes Project 0.00020; TOPMed 0.00026.
gnomAD v4.1: 513 of 1,613,998 alleles (0.032%); highest among the groups gnomAD compares: Middle Eastern, 0.049%; no homozygotes.

Submissions (6):

Labcorp Genetics (formerly Invitae), Labcorp
Classification: Likely benign for Regional enteritis; Blau syndrome. Last evaluated: 2025-11-03. Review status: criteria provided, single submitter. Criteria: Invitae Variant Classification Sherloc (09022015). Collection method: clinical testing. Allele origin: germline.

CeGaT Center for Human Genetics Tuebingen
Classification: Likely benign. Last evaluated: 2025-08-01. Review status: criteria provided, single submitter. Criteria: CeGaT Center For Human Genetics Tuebingen Variant Classification Criteria Version 2. Collection method: clinical testing. Allele origin: germline. Affected: yes. Observed: 6 variant alleles.
Comment: NOD2: BP4

Blueprint Genetics
Classification: Uncertain significance. Last evaluated: 2024-08-26. Review status: criteria provided, single submitter. Criteria: ACMG Guidelines, 2015. Collection method: clinical testing. Allele origin: germline.

Illumina Laboratory Services, Illumina
Classification: Uncertain significance for Inflammatory bowel disease 1. Last evaluated: 2017-04-28. Review status: criteria provided, single submitter. Criteria: ICSL Variant Classification Criteria 13 December 2019. Collection method: clinical testing. Allele origin: germline.
Comment: This variant was observed as part of a predisposition screen in an ostensibly healthy population. A literature search was performed for the gene, cDNA change, and amino acid change (where applicable). Publications were found based on this search. However, the evidence from the literature, in combination with allele frequency data from public databases where available, was not sufficient to rule this variant in or out of causing disease. Therefore, this variant is classified as a variant of unknown significance.

Illumina Laboratory Services, Illumina
Classification: Benign for Blau syndrome. Last evaluated: 2017-04-28. Review status: criteria provided, single submitter. Criteria: ICSL Variant Classification Criteria 13 December 2019. Collection method: clinical testing. Allele origin: germline.
Comment: This variant was observed as part of a predisposition screen in an ostensibly healthy population. A literature search was performed for the gene, cDNA change, and amino acid change (where applicable). No publications were found based on this search. Allele frequency data from public databases was too high to be consistent with this variant causing disease. Therefore, this variant is classified as benign.

Unité médicale des maladies autoinflammatoires, CHRU Montpellier
No classification provided. Condition: Sarcoidosis, early-onset. Review status: no classification provided. Collection method: not provided. Allele origin: unknown. Not counted in ClinVar's aggregate classification.
Comment: also involved in OMIM 186580 and 266600

Literature cited by the submitters: PubMed 15024686 (cited by Illumina Laboratory Services, Illumina); PubMed 11875755 (cited by Illumina Laboratory Services, Illumina); PubMed 12626759 (cited by Illumina Laboratory Services, Illumina); PubMed 18056399 (cited by Illumina Laboratory Services, Illumina).